The following is an entry in ClinVar:

NM_001082538.3(TCTN1):c.874C>A (p.Gln292Lys)

Gene: TCTN1 (tectonic family member 1; plus strand). Cytogenetic location: 12q24.11.
Variant type: single nucleotide variant.
Coding change: c.874C>A on transcript NM_001082538.3 (MANE Select); coding-DNA position 874, C replaced by A.
Protein change: p.Gln292Lys; replaces glutamine 292 with lysine.
Molecular consequence: missense variant. On other transcripts: non-coding transcript variant (1).
Genome position (GRCh38, 1-based): chr12:110,640,413, C>A. VCF-style: chr12-110640413-C-A. GRCh37 (hg19) VCF-style: chr12-111078218-C-A.
Other names: c.874C>A, p.Gln292Lys (NM_001082537.3, NM_001319680.2); c.706C>A, p.Gln236Lys (NM_001173975.3); c.694C>A, p.Gln232Lys (NM_001173976.2); c.340C>A, p.Gln114Lys (NM_001319681.2); c.832C>A, p.Gln278Lys (NM_024549.6); short protein forms Q114K, Q232K, Q236K, Q278K, Q292K.
Identifiers: ClinVar variation 3753510 (VCV003753510.2).

ClinVar aggregate classification (germline): Uncertain significance (1 of 4 stars; one submission).

Conditions:
Joubert syndrome. Also called: CEREBELLOPARENCHYMAL DISORDER IV; JOUBERT-BOLTSHAUSER SYNDROME; Familial aplasia of the vermis. Identifiers: Orphanet 475, MedGen C5979921, MONDO:0018772.
Meckel-Gruber syndrome. Also called: DYSENCEPHALIA SPLANCHNOCYSTICA; GRUBER SYNDROME; Dysencephalia splachnocystica. Identifiers: Orphanet 564, MedGen C0265215, MONDO:0018921.

gnomAD v4.1: 1 of 1,614,164 alleles (0.000062%); highest among the groups gnomAD compares: Non-Finnish European, 0.000085%; no homozygotes.

Submission:

Labcorp Genetics (formerly Invitae), Labcorp
Classification: Uncertain significance for Joubert syndrome; Meckel-Gruber syndrome. Last evaluated: 2024-07-03. Review status: criteria provided, single submitter. Criteria: Invitae Variant Classification Sherloc (09022015). Collection method: clinical testing. Allele origin: germline.
Comment: This sequence change replaces glutamine, which is neutral and polar, with lysine, which is basic and polar, at codon 292 of the TCTN1 protein (p.Gln292Lys). This variant is not present in population databases (gnomAD no frequency). This variant has not been reported in the literature in individuals affected with TCTN1-related conditions. Advanced modeling of protein sequence and biophysical properties (such as structural, functional, and spatial information, amino acid conservation, physicochemical variation, residue mobility, and thermodynamic stability) performed at Invitae indicates that this missense variant is not expected to disrupt TCTN1 protein function with a negative predictive value of 80%. In summary, the available evidence is currently insufficient to determine the role of this variant in disease. Therefore, it has been classified as a Variant of Uncertain Significance.